The following is an entry in ClinVar:

NM_001378609.3(OTOGL):c.6824C>T (p.Ser2275Leu)

Gene: OTOGL (otogelin like; plus strand). Cytogenetic location: 12q21.31.
Variant type: single nucleotide variant.
Coding change: c.6824C>T on transcript NM_001378609.3 (MANE Select); coding-DNA position 6824, C replaced by T.
Protein change: p.Ser2275Leu; replaces serine 2275 with leucine.
Molecular consequence: missense variant.
Genome position (GRCh38, 1-based): chr12:80,377,165, C>T. VCF-style: chr12-80377165-C-T. GRCh37 (hg19) VCF-style: chr12-80770945-C-T.
Other names: c.6689C>T, p.Ser2230Leu (NM_001368062.3); c.6824C>T, p.Ser2275Leu (NM_001378610.3, NM_173591.7); short protein forms S2230L, S2275L.
Identifiers: ClinVar variation 1696875 (VCV001696875.3), dbSNP rs568423929, ClinGen allele CA6702167.

ClinVar aggregate classification (germline): Uncertain significance (1 of 4 stars; one submission).

Allele frequency attached by ClinVar (database versions not stated): gnomAD 0.00001; gnomAD exomes 0.00001 and 0.00002; ExAC 0.00002; 1000 Genomes Project 0.00020; 1000 Genomes Project 30x 0.00031.
gnomAD v4.1: 13 of 1,609,270 alleles (0.00081%); highest among the groups gnomAD compares: East Asian, 0.0022%; no homozygotes.

Submission:

GeneDx
Classification: Uncertain significance. Last evaluated: 2024-01-08. Review status: criteria provided, single submitter. Criteria: GeneDx Variant Classification Process June 2021. Collection method: clinical testing. Allele origin: germline. Affected: yes.
Comment: Not observed at significant frequency in large population cohorts (gnomAD); In silico analysis supports that this missense variant does not alter protein structure/function; Has not been previously published as pathogenic or benign to our knowledge